The following is an entry in ClinVar:

ClinVar aggregate classification (germline): Uncertain significance (1 of 4 stars; one submission).

gnomAD v4.1: 25 of 1,613,246 alleles (0.0015%); highest among the groups gnomAD compares: East Asian, 0.053%; no homozygotes.

Submission:

Labcorp Genetics (formerly Invitae), Labcorp
Classification: Uncertain significance. Last evaluated: 2024-04-29. Review status: criteria provided, single submitter. Criteria: Invitae Variant Classification Sherloc (09022015). Collection method: clinical testing. Allele origin: germline.
Comment: This sequence change replaces aspartic acid, which is acidic and polar, with histidine, which is basic and polar, at codon 348 of the DLC1 protein (p.Asp348His). This variant is present in population databases (rs781368372, gnomAD 0.08%), and has an allele count higher than expected for a pathogenic variant. This variant has not been reported in the literature in individuals affected with DLC1-related conditions. An algorithm developed to predict the effect of missense changes on protein structure and function (PolyPhen-2) suggests that this variant is likely to be disruptive. In summary, the available evidence is currently insufficient to determine the role of this variant in disease. Therefore, it has been classified as a Variant of Uncertain Significance.

NM_182643.3(DLC1):c.1042G>C (p.Asp348His)

Gene: DLC1 (DLC1 Rho GTPase activating protein; minus strand). Cytogenetic location: 8p22.
Variant type: single nucleotide variant.
Coding change: c.1042G>C on transcript NM_182643.3 (MANE Select); coding-DNA position 1042, G replaced by C.
Protein change: p.Asp348His; replaces aspartic acid 348 with histidine.
Molecular consequence: missense variant. On other transcripts: 5 prime UTR variant (1).
Genome position (GRCh38, 1-based): chr8:13,401,601, C>G on the plus strand (G>C on the coding strand, the complement: DLC1 is on the minus strand). VCF-style: chr8-13401601-C-G. GRCh37 (hg19) VCF-style: chr8-13259110-C-G.
Other names: c.1042G>C, p.Asp348His (NM_001348081.2, NM_001413124.1, NM_001413125.1 and 1 more transcripts); c.-410G>C (NM_001348082.2); short protein forms D348H.
Identifiers: ClinVar variation 3697710 (VCV003697710.2).